The following is an entry in ClinVar:

NM_032380.5(GFM2):c.431-3T>C

Gene: GFM2 (GTP dependent ribosome recycling factor mitochondrial 2; minus strand). Cytogenetic location: 5q13.3.
Variant type: single nucleotide variant.
Coding change: c.431-3T>C on transcript NM_032380.5 (MANE Select); 3 bases into the intron before coding-DNA position 431, T replaced by C.
Molecular consequence: intron variant.
Genome position (GRCh38, 1-based): chr5:74,750,670, A>G on the plus strand (T>C on the coding strand, the complement: GFM2 is on the minus strand). VCF-style: chr5-74750670-A-G. GRCh37 (hg19) VCF-style: chr5-74046495-A-G.
Other names: c.431-3T>C (NM_170691.3, NM_170681.3); c.527-3T>C (NM_001281302.2).
Identifiers: ClinVar variation 390399 (VCV000390399.10), dbSNP rs369071633, ClinGen allele CA3306795.

ClinVar aggregate classification (germline): Conflicting classifications of pathogenicity. Review status: criteria provided, conflicting classifications (1 of 4 stars). 5 submissions from 5 submitters: Uncertain significance (2); Likely benign (3). Last evaluated 2024-10-23.

Conditions:
Combined oxidative phosphorylation deficiency 39. Identifiers: Orphanet 565624, MedGen C5193075, MONDO:0032726, OMIM 618397.

Allele frequency attached by ClinVar (database versions not stated): TOPMed 0.00015; gnomAD exomes 0.00025 and 0.00009; ExAC 0.00030; gnomAD 0.00003; ESP Exome Variant Server 0.00015.
gnomAD v4.1: 131 of 1,609,208 alleles (0.0081%); highest among the groups gnomAD compares: Middle Eastern, 0.77%; 6 homozygotes.

Submissions (5):

Labcorp Genetics (formerly Invitae), Labcorp
Classification: Uncertain significance. Last evaluated: 2024-10-23. Review status: criteria provided, single submitter. Criteria: Invitae Variant Classification Sherloc (09022015). Collection method: clinical testing. Allele origin: germline.
Comment: This sequence change falls in intron 6 of the GFM2 gene. It does not directly change the encoded amino acid sequence of the GFM2 protein. It affects a nucleotide within the consensus splice site. This variant is present in population databases (rs369071633, gnomAD 0.1%), and has an allele count higher than expected for a pathogenic variant. This variant has not been reported in the literature in individuals affected with GFM2-related conditions. ClinVar contains an entry for this variant (Variation ID: 390399). Variants that disrupt the consensus splice site are a relatively common cause of aberrant splicing (PMID: 17576681, 9536098). Algorithms developed to predict the effect of sequence changes on RNA splicing suggest that this variant is not likely to affect RNA splicing. In summary, the available evidence is currently insufficient to determine the role of this variant in disease. Therefore, it has been classified as a Variant of Uncertain Significance.

Blueprint Genetics
Classification: Likely benign. Last evaluated: 2024-09-13. Review status: criteria provided, single submitter. Criteria: ACMG Guidelines, 2015. Collection method: clinical testing. Allele origin: germline.

Revvity Omics, Revvity
Classification: Uncertain significance for Combined oxidative phosphorylation deficiency 39. Last evaluated: 2021-06-28. Review status: criteria provided, single submitter. Criteria: ACMG Guidelines, 2015. Collection method: clinical testing. Allele origin: germline.

GeneDx
Classification: Likely benign. Last evaluated: 2016-11-10. Review status: criteria provided, single submitter. Criteria: GeneDx Variant Classification (06012015). Collection method: clinical testing. Allele origin: germline. Affected: yes.
Comment: This variant is considered likely benign or benign based on one or more of the following criteria: it is a conservative change, it occurs at a poorly conserved position in the protein, it is predicted to be benign by multiple in silico algorithms, and/or has population frequency not consistent with disease.

Breakthrough Genomics
Classification: Likely benign. Review status: criteria provided, single submitter. Criteria: ACMG Guidelines, 2015. Collection method: not provided. Allele origin: germline. Inheritance: Autosomal recessive inheritance. Affected: yes.

Literature cited by the submitters: PubMed 17576681 (cited by Labcorp Genetics (formerly Invitae), Labcorp); PubMed 9536098 (cited by Labcorp Genetics (formerly Invitae), Labcorp).